The following is an entry in ClinVar:

NM_004462.5(FDFT1):c.483T>C (p.His161=)

Gene: FDFT1 (farnesyl-diphosphate farnesyltransferase 1). Cytogenetic location: 8p23.1.
Variant type: single nucleotide variant.
Coding change: c.483T>C on transcript NM_004462.5 (MANE Select); coding-DNA position 483, T replaced by C.
Protein change: p.His161=; no amino-acid change (histidine 161 retained).
Molecular consequence: synonymous variant. On other transcripts: intron variant (1).
Genome position (GRCh38, 1-based): chr8:11,821,851, T>C. VCF-style: chr8-11821851-T-C. GRCh37 (hg19) VCF-style: chr8-11679360-T-C.
Other names: c.483T>C, p.His161= (NM_001287742.2, NM_001287743.2); c.291T>C, p.His97= (NM_001287744.2, NM_001287745.2, NM_001287747.2 and 2 more transcripts); c.660T>C, p.His220= (NM_001287750.2); c.228T>C, p.His76= (NM_001287751.2); c.65-4228T>C (NM_001287756.2).
Identifiers: ClinVar variation 3042233 (VCV003042233.2), dbSNP rs1400137203, ClinGen allele CA459318863.

ClinVar aggregate classification (germline): Likely benign (0 of 4 stars; one submission).

Conditions:
FDFT1-related disorder. Also called: FDFT1-related condition.

Allele frequency attached by ClinVar (database versions not stated): gnomAD exomes below 0.00001.
gnomAD v4.1: 1 of 1,613,512 alleles (0.000062%); highest among the groups gnomAD compares: South Asian, 0.0011%; no homozygotes.

Submission:

PreventionGenetics, part of Exact Sciences
Classification: Likely benign for FDFT1-related condition. Last evaluated: 2019-05-16. Review status: no assertion criteria provided. Collection method: clinical testing. Allele origin: germline.
Comment: This variant is classified as likely benign based on ACMG/AMP sequence variant interpretation guidelines (Richards et al. 2015 PMID: 25741868, with internal and published modifications).